The following is an entry in ClinVar:

ClinVar aggregate classification (germline): Uncertain significance (1 of 4 stars; one submission).

Submission:

Labcorp Genetics (formerly Invitae), Labcorp
Classification: Uncertain significance. Last evaluated: 2022-02-10. Review status: criteria provided, single submitter. Criteria: Invitae Variant Classification Sherloc (09022015). Collection method: clinical testing. Allele origin: germline.
Comment: In summary, the available evidence is currently insufficient to determine the role of this variant in disease. Therefore, it has been classified as a Variant of Uncertain Significance. Algorithms developed to predict the effect of missense changes on protein structure and function (SIFT, PolyPhen-2, Align-GVGD) all suggest that this variant is likely to be disruptive. ClinVar contains an entry for this variant (Variation ID: 957197). This variant has not been reported in the literature in individuals affected with RBP3-related conditions. This variant is not present in population databases (gnomAD no frequency). This sequence change replaces threonine, which is neutral and polar, with serine, which is neutral and polar, at codon 1171 of the RBP3 protein (p.Thr1171Ser).

NM_002900.3(RBP3):c.3511A>T (p.Thr1171Ser)

Gene: RBP3 (retinol binding protein 3; plus strand). Cytogenetic location: 10q11.22.
Variant type: single nucleotide variant.
Coding change: c.3511A>T on transcript NM_002900.3 (MANE Select); coding-DNA position 3511, A replaced by T.
Protein change: p.Thr1171Ser; replaces threonine 1171 with serine.
Molecular consequence: missense variant.
Genome position (GRCh38, 1-based): chr10:47,357,224, A>T. VCF-style: chr10-47357224-A-T. GRCh37 (hg19) VCF-style: chr10-48382138-T-A.
Other names: short protein forms T1171S.
Identifiers: ClinVar variation 957197 (VCV000957197.9), dbSNP rs781988474, ClinGen allele CA206469991.